The following is an entry in ClinVar:

NM_213599.3(ANO5):c.1391C>A (p.Ala464Asp)

Gene: ANO5 (anoctamin 5; plus strand). Cytogenetic location: 11p14.3.
Variant type: single nucleotide variant.
Coding change: c.1391C>A on transcript NM_213599.3 (MANE Select); coding-DNA position 1391, C replaced by A.
Protein change: p.Ala464Asp; replaces alanine 464 with aspartic acid.
Molecular consequence: missense variant.
Genome position (GRCh38, 1-based): chr11:22,257,738, C>A. VCF-style: chr11-22257738-C-A. GRCh37 (hg19) VCF-style: chr11-22279284-C-A.
Other names: c.1388C>A, p.Ala463Asp (NM_001142649.2); short protein forms A464D, A463D.
Identifiers: ClinVar variation 379915 (VCV000379915.17), dbSNP rs529961953, ClinGen allele CA16606219.

ClinVar aggregate classification (germline): Conflicting classifications of pathogenicity. Review status: criteria provided, conflicting classifications (1 of 4 stars). 3 submissions from 3 submitters: Pathogenic (1); Likely pathogenic (1); Uncertain significance (1). Last evaluated 2021-06-30.

Conditions:
Gnathodiaphyseal dysplasia (GDD). Also called: GNATHODIAPHYSEAL SCLEROSIS; OSTEOGENESIS IMPERFECTA WITH UNUSUAL SKELETAL LESIONS. Identifiers: Orphanet 53697, MedGen C1833736, MONDO:0008151, OMIM 166260.
Autosomal recessive limb-girdle muscular dystrophy type 2L (LGMDR12). Also called: Limb-girdle muscular dystrophy, type 2L; MUSCULAR DYSTROPHY, LIMB-GIRDLE, AUTOSOMAL RECESSIVE 12; Limb-Girdle Muscular Dystrophy R12 Anoctamin-5-Related (LGMD-R12). Identifiers: Orphanet 206549, MedGen C1969785, MONDO:0012652, OMIM 611307.

Allele frequency attached by ClinVar (database versions not stated): TOPMed below 0.00001; gnomAD exomes 0.00001.
gnomAD v4.1: 3 of 1,611,436 alleles (0.00019%); highest among the groups gnomAD compares: Non-Finnish European, 0.00025%; no homozygotes.

Submissions (3):

Labcorp Genetics (formerly Invitae), Labcorp
Classification: Likely pathogenic for Autosomal recessive limb-girdle muscular dystrophy type 2L; Gnathodiaphyseal dysplasia. Last evaluated: 2021-06-30. Review status: criteria provided, single submitter. Criteria: Invitae Variant Classification Sherloc (09022015). Collection method: clinical testing. Allele origin: germline.
Comment: In summary, the currently available evidence indicates that the variant is pathogenic, but additional data are needed to prove that conclusively. Therefore, this variant has been classified as Likely Pathogenic. Advanced modeling of protein sequence and biophysical properties (such as structural, functional, and spatial information, amino acid conservation, physicochemical variation, residue mobility, and thermodynamic stability) performed at Invitae indicates that this missense variant is expected to disrupt ANO5 protein function. This variant has been observed in individual(s) with clinical features of autosomal recessive limb-girdle muscular dystrophy (PMID: 30919934, 23606453, 31862442, Invitae). ClinVar contains an entry for this variant (Variation ID: 379915). This variant is not present in population databases (ExAC no frequency). This sequence change replaces alanine with aspartic acid at codon 464 of the ANO5 protein (p.Ala464Asp). The alanine residue is weakly conserved and there is a moderate physicochemical difference between alanine and aspartic acid.

Eurofins Ntd Llc (ga)
Classification: Uncertain significance. Last evaluated: 2018-08-17. Review status: criteria provided, single submitter. Criteria: EGL ClinVar v180209 classification definitions. Collection method: clinical testing. Allele origin: germline. Observed: 1 variant allele, 1 heterozygote.

GeneDx
Classification: Pathogenic. Last evaluated: 2015-06-05. Review status: criteria provided, single submitter. Criteria: GeneDx Variant Classification (06012015). Collection method: clinical testing. Allele origin: germline. Affected: yes.
Comment: The A464D variant in the ANO5 gene has been reported previously in the compound heterozygous statein an individual with limb-girdle muscular dystrophy type 2L (Sarkozy et al., 2013). The A464D variantwas not observed in approximately 6,500 individuals of European and African American ancestry in theNHLBI Exome Sequencing Project, indicating it is not a common benign variant in these populations. TheA464D variant is a non-conservative amino acid substitution, which occurs at a position that is notconserved within a transmembrane domain. In silico analysis is inconsistent in its predictions as to whetheror not the variant is damaging to the protein structure/function. We interpret A464D as a pathogenic variant.

Literature cited by the submitters: PubMed 30919934 (cited by Labcorp Genetics (formerly Invitae), Labcorp); PubMed 23606453 (cited by Labcorp Genetics (formerly Invitae), Labcorp); PubMed 31862442 (cited by Labcorp Genetics (formerly Invitae), Labcorp).